The following is an entry in ClinVar:

ClinVar aggregate classification (germline): Pathogenic/Likely pathogenic. Review status: criteria provided, multiple submitters, no conflicts (2 of 4 stars). 4 submissions from 4 submitters: Pathogenic (1); Likely pathogenic (2). 1 of the submissions does not count toward it. Last evaluated 2025-09-17.

Conditions:
Hypophosphatasia. Also called: Phosphoethanol-aminuria. Identifiers: Orphanet 436, MedGen C0020630, MeSH D007014, MONDO:0018570.
Infantile hypophosphatasia. Identifiers: Orphanet 247651, Orphanet 436, MedGen C0268412, MONDO:1010169, OMIM 241500, MONDO:0009427.

Allele frequency attached by ClinVar (database versions not stated): gnomAD exomes below 0.00001; TOPMed 0.00001.
gnomAD v4.1: 1 of 1,614,136 alleles (0.000062%); highest among the groups gnomAD compares: East Asian, 0.0022%; no homozygotes.

Submissions (4):

Labcorp Genetics (formerly Invitae), Labcorp
Classification: Pathogenic. Last evaluated: 2025-09-17. Review status: criteria provided, single submitter. Criteria: Invitae Variant Classification Sherloc (09022015). Collection method: clinical testing. Allele origin: germline.
Comment: This sequence change replaces lysine, which is basic and polar, with glutamic acid, which is acidic and polar, at codon 224 of the ALPL protein (p.Lys224Glu). This variant is not present in population databases (gnomAD no frequency). This missense change has been observed in individual(s) with autosomal recessive hypophosphatasia (PMID: 10834525). In at least one individual the data is consistent with being in trans (on the opposite chromosome) from a pathogenic variant. ClinVar contains an entry for this variant (Variation ID: 550127). Invitae Evidence Modeling of protein sequence and biophysical properties (such as structural, functional, and spatial information, amino acid conservation, physicochemical variation, residue mobility, and thermodynamic stability) indicates that this missense variant is expected to disrupt ALPL protein function with a positive predictive value of 95%. Experimental studies have shown that this missense change affects ALPL function (PMID: 10834525). For these reasons, this variant has been classified as Pathogenic.

Genomenon, Inc
Classification: Likely pathogenic for Hypophosphatasia. Last evaluated: 2025-08-29. Review status: criteria provided, single submitter. Criteria: Genomenon Sequence Variant Interpretation Standards. Collection method: curation. Allele origin: germline. Affected: yes.
Comment: ALPL c.670A>G is a missense variant that changes the amino acid at residue 224 from Lysine to Glutamic acid. This variant has been observed in at least one proband affected with hypophosphatasia (PMID:33032557;10834525). The variant was found to segregate with disease in at least one affected family (PMID:33032557). Functional studies have been reported;however, the significance of the findings remain unclear (PMID:15660230;10834525). This variant has been described as Lys207Glu in the literature. It is absent or not present at a significant frequency in gnomAD. In silico models agree that this variant is possibly or probably damaging. In conclusion, we classify ALPL p.Lys224Glu (c.670A>G) as a likely pathogenic variant.

Women's Health and Genetics/Laboratory Corporation of America, LabCorp
Classification: Likely pathogenic for Hypophosphatasia. Last evaluated: 2024-12-26. Review status: criteria provided, single submitter. Criteria: LabCorp Variant Classification Summary - May 2015. Collection method: clinical testing. Allele origin: germline.
Comment: Variant summary: ALPL c.670A>G (p.Lys224Glu) results in a conservative amino acid change located in the Alkaline-phosphatase-like, core domain superfamily (IPR017850) of the encoded protein sequence. Three of five in-silico tools predict a damaging effect of the variant on protein function. The variant was absent in 251472 control chromosomes (gnomAD). c.670A>G has been reported in the literature in individuals affected with Hypophosphatasia (Mochizuki_2000, Martins_2013, Okawa_2019, Waratani_2020). These data indicate that the variant is likely to be associated with disease. At least one publication reports experimental evidence evaluating an impact on protein function. The most pronounced variant effect results in 40%-<50% of normal activity (Mochizuki_2000, Michigami_2005). The following publications have been ascertained in the context of this evaluation (PMID: 23791648, 15660230, 10834525, 31600233, 24276437, 33032557). ClinVar contains an entry for this variant (Variation ID: 550127). Based on the evidence outlined above, the variant was classified as likely pathogenic.

Counsyl
Classification: Uncertain significance for Infantile hypophosphatasia. Last evaluated: 2017-01-09. Review status: no assertion criteria provided. Collection method: clinical testing. Allele origin: unknown. Not counted in ClinVar's aggregate classification.

Literature cited by the submitters: PubMed 10834525 (cited by 3 submitters); PubMed 33032557 (cited by Genomenon, Inc and Women's Health and Genetics/Laboratory Corporation of America, LabCorp); PubMed 15660230 (cited by 3 submitters); PubMed 24276437 (cited by Women's Health and Genetics/Laboratory Corporation of America, LabCorp); PubMed 31600233 (cited by Women's Health and Genetics/Laboratory Corporation of America, LabCorp); PubMed 23791648 (cited by Women's Health and Genetics/Laboratory Corporation of America, LabCorp).

NM_000478.6(ALPL):c.670A>G (p.Lys224Glu)

Gene: ALPL (alkaline phosphatase, biomineralization associated; plus strand). Cytogenetic location: 1p36.12.
Variant type: single nucleotide variant.
Coding change: c.670A>G on transcript NM_000478.6 (MANE Select); coding-DNA position 670, A replaced by G.
Protein change: p.Lys224Glu; replaces lysine 224 with glutamic acid.
Molecular consequence: missense variant.
Genome position (GRCh38, 1-based): chr1:21,568,125, A>G. VCF-style: chr1-21568125-A-G. GRCh37 (hg19) VCF-style: chr1-21894618-A-G.
Other names: c.505A>G, p.Lys169Glu (NM_001127501.4); c.439A>G, p.Lys147Glu (NM_001177520.3); c.670A>G, p.Lys224Glu (NM_001369803.2, NM_001369804.2, NM_001369805.2); short protein forms K224E, K147E, K169E.
Identifiers: ClinVar variation 550127 (VCV000550127.9), dbSNP rs1226800998, ClinGen allele CA338879076.